The following is an entry in ClinVar:

NM_001142800.2(EYS):c.1081A>G (p.Ile361Val)

Gene: EYS (EGF-like photoreceptor maintenance factor; minus strand). Cytogenetic location: 6q12.
Variant type: single nucleotide variant.
Coding change: c.1081A>G on transcript NM_001142800.2 (MANE Select); coding-DNA position 1081, A replaced by G.
Protein change: p.Ile361Val; replaces isoleucine 361 with valine.
Molecular consequence: missense variant.
Genome position (GRCh38, 1-based): chr6:65,402,581, T>C on the plus strand (A>G on the coding strand, the complement: EYS is on the minus strand). VCF-style: chr6-65402581-T-C. GRCh37 (hg19) VCF-style: chr6-66112474-T-C.
Other names: c.1081A>G, p.Ile361Val (NM_001142801.2, NM_001292009.2, NM_198283.2); short protein forms I361V.
Identifiers: ClinVar variation 2147739 (VCV002147739.3), dbSNP rs775313456, ClinGen allele CA3877871.

ClinVar aggregate classification (germline): Uncertain significance. Review status: criteria provided, multiple submitters, no conflicts (2 of 4 stars). 2 submissions from 2 submitters: Uncertain significance (2). Last evaluated 2024-11-19.

Allele frequency attached by ClinVar (database versions not stated): gnomAD exomes 0.00002; ExAC 0.00003; TOPMed 0.00003; gnomAD 0.00005.
gnomAD v4.1: 32 of 1,577,376 alleles (0.002%); highest among the groups gnomAD compares: Admixed American, 0.005%; no homozygotes.

Submissions (2):

Labcorp Genetics (formerly Invitae), Labcorp
Classification: Uncertain significance. Last evaluated: 2024-11-19. Review status: criteria provided, single submitter. Criteria: Invitae Variant Classification Sherloc (09022015). Collection method: clinical testing. Allele origin: germline.
Comment: This sequence change replaces isoleucine, which is neutral and non-polar, with valine, which is neutral and non-polar, at codon 361 of the EYS protein (p.Ile361Val). This variant is present in population databases (rs775313456, gnomAD 0.009%). This variant has not been reported in the literature in individuals affected with EYS-related conditions. ClinVar contains an entry for this variant (Variation ID: 2147739). Invitae Evidence Modeling of protein sequence and biophysical properties (such as structural, functional, and spatial information, amino acid conservation, physicochemical variation, residue mobility, and thermodynamic stability) indicates that this missense variant is not expected to disrupt EYS protein function with a negative predictive value of 80%. In summary, the available evidence is currently insufficient to determine the role of this variant in disease. Therefore, it has been classified as a Variant of Uncertain Significance.

Blueprint Genetics
Classification: Uncertain significance. Last evaluated: 2022-09-02. Review status: criteria provided, single submitter. Criteria: ACMG Guidelines, 2015. Collection method: clinical testing. Allele origin: germline.